The following is an entry in ClinVar:

NM_000059.4(BRCA2):c.9864A>G (p.Thr3288=)

Gene: BRCA2 (BRCA2 DNA repair associated; plus strand). Cytogenetic location: 13q13.1.
Variant type: single nucleotide variant.
Coding change: c.9864A>G on transcript NM_000059.4 (MANE Select); coding-DNA position 9864, A replaced by G.
Protein change: p.Thr3288=; no amino-acid change (threonine 3288 retained).
Molecular consequence: synonymous variant.
Genome position (GRCh38, 1-based): chr13:32,398,377, A>G. VCF-style: chr13-32398377-A-G. GRCh37 (hg19) VCF-style: chr13-32972514-A-G.
Identifiers: ClinVar variation 184626 (VCV000184626.53), dbSNP rs778401681, ClinGen allele CA026316.
Genomic context (GRCh38, chr13:32,398,377, plus strand): 5'-AAGAGCCTTGGATTTCTTGAGTAGACTGCCTTTACCTCCACCTGTTAGTCCCATTTGTAC[A>G]TTTGTTTCTCCGGCTGCACAGAAGGCATTTCAGCCACCAAGGAGTTGTGGCACCAAATAC-3'
Protein context (NP_000050.3, residues 3278-3298): PLPPPVSPIC[Thr3288=]FVSPAAQKAF

ClinVar aggregate classification (germline): Likely benign. Review status: reviewed by expert panel (3 of 4 stars). 14 submissions from 14 submitters: Likely benign (1). 13 of the submissions do not count toward it. Last evaluated 2017-06-29.

Conditions:
BRCA2-related disorder. Also called: BRCA2-related condition; BRCA2-related disorders. Identifiers: MedGen CN239275.
Hereditary cancer-predisposing syndrome. Also called: Tumor predisposition; Neoplastic Syndromes, Hereditary; Hereditary Cancer Syndrome; Hereditary neoplastic syndrome. Identifiers: Orphanet 140162, MedGen C0027672, MeSH D009386, MONDO:0015356.
Familial cancer of breast. Also called: hereditary breast carcinoma; BREAST CANCER, FAMILIAL; Hereditary breast cancer. Identifiers: Orphanet 227535, MedGen C0346153, MONDO:0016419, OMIM 114480. Disease mechanism: loss of function.
Breast-ovarian cancer, familial, susceptibility to, 2 (BROVCA2). Also called: BRCA2 Hereditary Breast and Ovarian Cancer. Identifiers: Orphanet 145, MedGen C2675520, MONDO:0012933, OMIM 612555. Disease mechanism: loss of function.
Hereditary breast ovarian cancer syndrome. Also called: Hereditary breast and ovarian cancer; Hereditary breast and ovarian cancer syndrome (HBOC); Breast and ovarian cancer; Hereditary breast and/or ovarian cancer syndrome; BRCA1- and BRCA2-Associated Hereditary Breast and Ovarian Cancer; Hereditary breast and ovarian cancer syndrome. Identifiers: Orphanet 145, MedGen C0677776, MeSH D061325, MONDO:0003582. Disease mechanism: loss of function.

Allele frequency attached by ClinVar (database versions not stated): gnomAD exomes 0.00001; TOPMed 0.00001; ExAC 0.00002.
gnomAD v4.1: 29 of 1,614,148 alleles (0.0018%); highest among the groups gnomAD compares: South Asian, 0.0033%; no homozygotes.

Submissions (14):

Evidence-based Network for the Interpretation of Germline Mutant Alleles (ENIGMA)
Classification: Likely benign for Breast-ovarian cancer, familial, susceptibility to, 2. Last evaluated: 2017-06-29. Review status: reviewed by expert panel. Criteria: ENIGMA BRCA1/2 Classification Criteria (2017-06-29). Collection method: curation. Allele origin: germline.
Comment: Synonymous substitution variant, with low bioinformatic likelihood to result in a splicing aberration (Splicing prior probability 0.02).

Labcorp Genetics (formerly Invitae), Labcorp
Classification: Benign for Hereditary breast ovarian cancer syndrome. Last evaluated: 2026-01-25. Review status: criteria provided, single submitter. Criteria: Invitae Variant Classification Sherloc (09022015). Collection method: clinical testing. Allele origin: germline. Not counted in ClinVar's aggregate classification.

PreventionGenetics, part of Exact Sciences
Classification: Likely benign for BRCA2-related condition. Last evaluated: 2025-03-06. Review status: criteria provided, single submitter. Criteria: ACMG Guidelines, 2015. Collection method: clinical testing. Allele origin: germline. Not counted in ClinVar's aggregate classification.
Comment: This variant is classified as likely benign based on ACMG/AMP sequence variant interpretation guidelines (Richards et al. 2015 PMID: 25741868, with internal and published modifications).

Blueprint Genetics
Classification: Likely benign. Last evaluated: 2024-10-29. Review status: criteria provided, single submitter. Criteria: ACMG Guidelines, 2015. Collection method: clinical testing. Allele origin: germline. Not counted in ClinVar's aggregate classification.

Department of Pathology and Laboratory Medicine, Sinai Health System
Classification: Likely benign for Familial cancer of breast; Breast-ovarian cancer, familial, susceptibility to, 2. Last evaluated: 2024-02-26. Review status: criteria provided, single submitter. Criteria: ACMG Guidelines, 2015. Collection method: clinical testing. Allele origin: germline. Affected: yes. Not counted in ClinVar's aggregate classification.

All of Us Research Program, National Institutes of Health
Classification: Likely benign for Breast-ovarian cancer, familial, susceptibility to, 2. Last evaluated: 2023-10-06. Review status: criteria provided, single submitter. Criteria: ACMG Guidelines, 2015. Collection method: clinical testing. Allele origin: germline. Inheritance: Autosomal dominant inheritance. Observed: 3 variant alleles, 3 heterozygotes. Not counted in ClinVar's aggregate classification.
Comment: This study involves interpretation of variants in research participants for the purpose of population health screening. Participant phenotype was not available at the time of variant classification. Additional details can be found in publication PMID: 35346344, PMCID: PMC8962531

CeGaT Center for Human Genetics Tuebingen
Classification: Likely benign. Last evaluated: 2022-11-01. Review status: criteria provided, single submitter. Criteria: CeGaT Center For Human Genetics Tuebingen Variant Classification Criteria Version 2. Collection method: clinical testing. Allele origin: germline. Affected: yes. Observed: 2 variant alleles. Not counted in ClinVar's aggregate classification.
Comment: BRCA2: BP4, BP7

Sema4
Classification: Likely benign for Hereditary cancer-predisposing syndrome. Last evaluated: 2022-03-11. Review status: criteria provided, single submitter. Criteria: Sema4 Curation Guidelines. Collection method: curation. Allele origin: germline. Not counted in ClinVar's aggregate classification.

GeneDx
Classification: Likely benign. Last evaluated: 2019-10-23. Review status: criteria provided, single submitter. Criteria: GeneDx Variant Classification Process June 2021. Collection method: clinical testing. Allele origin: germline. Affected: yes. Not counted in ClinVar's aggregate classification.
Comment: This variant is associated with the following publications: (PMID: 18844490)

Quest Diagnostics Nichols Institute San Juan Capistrano
Classification: Likely benign. Last evaluated: 2019-10-08. Review status: criteria provided, single submitter. Criteria: Quest Diagnostics criteria. Collection method: clinical testing. Allele origin: unknown. Not counted in ClinVar's aggregate classification.

Women's Health and Genetics/Laboratory Corporation of America, LabCorp
Classification: Likely benign. Last evaluated: 2019-10-04. Review status: criteria provided, single submitter. Criteria: LabCorp Variant Classification Summary - May 2015. Collection method: clinical testing. Allele origin: germline. Not counted in ClinVar's aggregate classification.

Color Diagnostics, LLC DBA Color Health
Classification: Likely benign for Hereditary cancer-predisposing syndrome. Last evaluated: 2017-05-09. Review status: criteria provided, single submitter. Criteria: ACMG Guidelines, 2015. Collection method: clinical testing. Allele origin: germline. Not counted in ClinVar's aggregate classification.

Ambry Genetics
Classification: Likely benign for Hereditary cancer-predisposing syndrome. Last evaluated: 2015-04-08. Review status: criteria provided, single submitter. Criteria: Ambry Variant Classification Scheme 2023. Collection method: clinical testing. Allele origin: germline. Not counted in ClinVar's aggregate classification.

Counsyl
Classification: Likely benign for Breast-ovarian cancer, familial, susceptibility to, 2. Last evaluated: 2016-11-09. Review status: no assertion criteria provided. Collection method: clinical testing. Allele origin: unknown. Not counted in ClinVar's aggregate classification.

Literature cited by the submitters: PubMed 18844490 (cited by 5 submitters); PubMed 25451944 (cited by Counsyl).